The following is an entry in ClinVar:

NM_014874.4(MFN2):c.1082A>G (p.His361Arg)

Gene: MFN2 (mitofusin 2; plus strand). Cytogenetic location: 1p36.22.
Variant type: single nucleotide variant.
Coding change: c.1082A>G on transcript NM_014874.4 (MANE Select); coding-DNA position 1082, A replaced by G.
Protein change: p.His361Arg; replaces histidine 361 with arginine.
Molecular consequence: missense variant.
Genome position (GRCh38, 1-based): chr1:12,002,025, A>G. VCF-style: chr1-12002025-A-G. GRCh37 (hg19) VCF-style: chr1-12062082-A-G.
Other names: c.1082A>G, p.His361Arg (NM_001127660.2); short protein forms H361R.
Identifiers: ClinVar variation 418294 (VCV000418294.43), dbSNP rs1064793170, ClinGen allele CA16616966.

ClinVar aggregate classification (germline): Pathogenic/Likely pathogenic. Review status: criteria provided, multiple submitters, no conflicts (2 of 4 stars). 2 submissions from 2 submitters: Pathogenic (1); Likely pathogenic (1). Last evaluated 2019-03-01.

Submissions (2):

CeGaT Center for Human Genetics Tuebingen
Classification: Pathogenic. Last evaluated: 2019-03-01. Review status: criteria provided, single submitter. Criteria: CeGaT Center For Human Genetics Tuebingen Variant Classification Criteria Version 2. Collection method: clinical testing. Allele origin: germline. Affected: yes. Observed: 1 variant allele.

GeneDx
Classification: Likely pathogenic. Last evaluated: 2015-02-19. Review status: criteria provided, single submitter. Criteria: GeneDx Variant Classification (06012015). Collection method: clinical testing. Allele origin: germline. Affected: yes.
Comment: A novel H361R variant that is likely pathogenic was identified in the MFN2 gene. It has not been published as a pathogenic variant, nor has it been reported as a benign polymorphism to our knowledge. The H361R variant is a conservative amino acid substitution, which is not likely to impact secondary protein structure as these residues share similar properties. In silico analysis is inconsistent in its predictions as to whether or not the variant is damaging to the protein structure/function. However, this substitution occurs at a position that is highly conserved across species and the H361R variant was not observed in approximately 6,500 individuals of European and African American ancestry in an external variant database, indicating it is not a common benign variant in these populations. Furthermore, missense variants in the same residue (H361Y) and in nearby residues (T356A, K357N, T362M, R364W/Q/O, M376L) have been reported in the Human Gene Mutation Database in association with Charcot-Marie-Tooth disease (Stenson et al., 2014), supporting the functional importance of this region of the protein. Therefore, this is a strong candidate for a pathogenic variant, however the possibility that it is a benign variant cannot be excluded.